The following is an entry in ClinVar:

NM_001370298.3(FGD4):c.1544-135G>A

Gene: FGD4 (FYVE, RhoGEF and PH domain containing 4; plus strand). Cytogenetic location: 12p11.21.
Variant type: single nucleotide variant.
Coding change: c.1544-135G>A on transcript NM_001370298.3 (MANE Select); 135 bases into the intron before coding-DNA position 1544, G replaced by A.
Molecular consequence: intron variant.
Genome position (GRCh38, 1-based): chr12:32,610,641, G>A. VCF-style: chr12-32610641-G-A. GRCh37 (hg19) VCF-style: chr12-32763575-G-A.
Other names: c.1544-135G>A (NM_001384126.1); c.1388-135G>A (NM_001304481.2); c.854-135G>A (NM_001330374.2, NM_001330373.2, NM_001384130.1); c.1133-135G>A (NM_139241.3, NM_001384127.1, NM_001385118.1 and 1 more transcripts); c.101-135G>A (NM_001304484.2); c.581-135G>A (NM_001370297.1); c.389-135G>A (NM_001304483.2).
Identifiers: ClinVar variation 680166 (VCV000680166.1), dbSNP rs10844252, ClinGen allele CA13701092.
Genomic context (GRCh38, chr12:32,610,641, plus strand): 5'-ATAAGGAAATACGAAGTTTCAAGTAATCTGCTTACAAATGAACTTTAGAAAGTATATACC[G>A]TTTATAAATGGAAAATGCCACTATTTTTGTTGTATCTTTGGTCTCAGACTTCTTAATTTA-3'

ClinVar aggregate classification (germline): Benign (1 of 4 stars; one submission).

Allele frequency attached by ClinVar (database versions not stated): TOPMed 0.26417; gnomAD 0.25333; 1000 Genomes Project 0.24780; 1000 Genomes Project 30x 0.24875.
gnomAD v4.1: 221,583 of 746,926 alleles (30%); highest among the groups gnomAD compares: South Asian, 41%; 34,370 homozygotes.

Submission:

GeneDx
Classification: Benign. Last evaluated: 2018-06-14. Review status: criteria provided, single submitter. Criteria: GeneDx Variant Classification (06012015). Collection method: clinical testing. Allele origin: germline. Affected: yes.
Comment: This variant is considered likely benign or benign based on one or more of the following criteria: it is a conservative change, it occurs at a poorly conserved position in the protein, it is predicted to be benign by multiple in silico algorithms, and/or has population frequency not consistent with disease.